The following is an entry in ClinVar:

ClinVar aggregate classification (germline): Uncertain significance (1 of 4 stars; one submission).

Submission:

Labcorp Genetics (formerly Invitae), Labcorp
Classification: Uncertain significance. Last evaluated: 2021-01-18. Review status: criteria provided, single submitter. Criteria: Invitae Variant Classification Sherloc (09022015). Collection method: clinical testing. Allele origin: germline.
Comment: In summary, the available evidence is currently insufficient to determine the role of this variant in disease. Therefore, it has been classified as a Variant of Uncertain Significance. Algorithms developed to predict the effect of missense changes on protein structure and function output the following: SIFT: "Tolerated"; PolyPhen-2: "Benign"; Align-GVGD: "Class C0". The glycine amino acid residue is found in multiple mammalian species, suggesting that this missense change does not adversely affect protein function. These predictions have not been confirmed by published functional studies and their clinical significance is uncertain. This variant has not been reported in the literature in individuals with C1QC-related conditions. This variant is not present in population databases (ExAC no frequency). This sequence change replaces serine with glycine at codon 154 of the C1QC protein (p.Ser154Gly). The serine residue is moderately conserved and there is a small physicochemical difference between serine and glycine.

NM_172369.5(C1QC):c.460A>G (p.Ser154Gly)

Gene: C1QC (complement C1q C chain; plus strand). Cytogenetic location: 1p36.12.
Variant type: single nucleotide variant.
Coding change: c.460A>G on transcript NM_172369.5 (MANE Select); coding-DNA position 460, A replaced by G.
Protein change: p.Ser154Gly; replaces serine 154 with glycine.
Molecular consequence: missense variant.
Genome position (GRCh38, 1-based): chr1:22,647,505, A>G. VCF-style: chr1-22647505-A-G. GRCh37 (hg19) VCF-style: chr1-22973998-A-G.
Other names: c.460A>G, p.Ser154Gly (NM_001114101.3, NM_001347619.2); c.193A>G, p.Ser65Gly (NM_001347620.2); short protein forms S154G, S65G.
Identifiers: ClinVar variation 1473122 (VCV001473122.8), dbSNP rs757626727, ClinGen allele CA338937386.